The following is an entry in ClinVar:

NM_199420.4(POLQ):c.5191G>A (p.Asp1731Asn)

Gene: POLQ (DNA polymerase theta; minus strand). Cytogenetic location: 3q13.33.
Variant type: single nucleotide variant.
Coding change: c.5191G>A on transcript NM_199420.4 (MANE Select); coding-DNA position 5191, G replaced by A.
Protein change: p.Asp1731Asn; replaces aspartic acid 1731 with asparagine.
Molecular consequence: missense variant.
Genome position (GRCh38, 1-based): chr3:121,487,740, C>T on the plus strand (G>A on the coding strand, the complement: POLQ is on the minus strand). VCF-style: chr3-121487740-C-T. GRCh37 (hg19) VCF-style: chr3-121206587-C-T.
Other names: short protein forms D1731N.
Identifiers: ClinVar variation 1745918 (VCV001745918.2), dbSNP rs2546785019, ClinGen allele CA354090948.

ClinVar aggregate classification (germline): Uncertain significance (1 of 4 stars; one submission).

Submission:

Ambry Genetics
Classification: Uncertain significance. Last evaluated: 2022-05-21. Review status: criteria provided, single submitter. Criteria: Ambry Variant Classification Scheme 2023. Collection method: clinical testing. Allele origin: germline.
Comment: The p.D1731N variant (also known as c.5191G>A), located in coding exon 16 of the POLQ gene, results from a G to A substitution at nucleotide position 5191. The aspartic acid at codon 1731 is replaced by asparagine, an amino acid with highly similar properties. This amino acid position is conserved. In addition, this alteration is predicted to be tolerated by in silico analysis. Since supporting evidence is limited at this time, the clinical significance of this alteration remains unclear.